The following is an entry in ClinVar:

ClinVar aggregate classification (germline): Likely pathogenic. Review status: criteria provided, multiple submitters, no conflicts (2 of 4 stars). 4 submissions from 4 submitters: Likely pathogenic (3). 1 of the submissions does not count toward it. Last evaluated 2026-01-28.

Conditions:
OTC-related disorder. Also called: OTC-related condition.
Ornithine carbamoyltransferase deficiency (OTCD). Also called: OTC DEFICIENCY; ORNITHINE TRANSCARBAMYLASE DEFICIENCY; ORNITHINE TRANSCARBAMYLASE DEFICIENCY, HYPERAMMONEMIA DUE TO; Ornithine Carbamoyltransferase Deficiency Disease. Identifiers: Orphanet 664, MedGen C0268542, MONDO:0010703, OMIM 311250.

Submissions (4):

PreventionGenetics, part of Exact Sciences
Classification: Likely pathogenic for OTC-related condition. Last evaluated: 2026-01-28. Review status: criteria provided, single submitter. Criteria: ACMG Guidelines, 2015. Collection method: clinical testing. Allele origin: germline.
Comment: The OTC c.717G>C variant is predicted to result in the amino acid substitution p.Glu239Asp. This variant is located at the final coding nucleotide of OTC exon 7, and available splicing prediction programs suggest that this variant (and alternate nucleotide substitutions at the same position) disrupts splicing at the adjacent canonical donor site, leading to exon-skipping and an in-frame deletion of 18 amino acids (Jaganathan et al. 2019. PubMed ID: 30661751); however, such computer prediction programs are not equivalent to functional evidence, and, to our knowledge, no functional or RNA studies have been performed to help clarify the significance of this variant. This variant has not been reported in a large population database (gnomAD), indicating this variant is rare. Alternate missense variants at the same amino acid position (p.Glu239Gly, p.Glu239Val) have been reported in individuals with OTC deficiency (Yamaguchi et al. 2006. PubMed ID: 16786505), and one yeast-based functional study suggested these variants may lead to reduced enzymatic activity (Table S7, Lo et al. 2023. PubMed ID: 37146589). This variant is interpreted as likely pathogenic.

GeneDx
Classification: Likely pathogenic. Last evaluated: 2024-02-06. Review status: criteria provided, single submitter. Criteria: GeneDx Variant Classification Process June 2021. Collection method: clinical testing. Allele origin: germline. Affected: yes.
Comment: In silico analysis supports that this missense variant has a deleterious effect on protein structure/function; Not observed at significant frequency in large population cohorts (gnomAD); This variant is associated with the following publications: (PMID: 16786505, 26059767)

Mendelics
Classification: Likely pathogenic for Ornithine carbamoyltransferase deficiency. Last evaluated: 2019-05-28. Review status: criteria provided, single submitter. Criteria: Mendelics Assertion Criteria 2017. Collection method: clinical testing. Allele origin: unknown.

GenMed Metabolism Lab
Classification: Pathogenic. Review status: no assertion criteria provided. Collection method: not provided. Allele origin: unknown. Not counted in ClinVar's aggregate classification.
ClinVar note: Converted during submission from pathogenic to Pathogenic.

NM_000531.6(OTC):c.717G>C (p.Glu239Asp)

Gene: OTC (ornithine transcarbamylase; plus strand). Cytogenetic location: Xp11.4.
Variant type: single nucleotide variant.
Coding change: c.717G>C on transcript NM_000531.6 (MANE Select); coding-DNA position 717, G replaced by C.
Protein change: p.Glu239Asp; replaces glutamic acid 239 with aspartic acid.
Molecular consequence: missense variant.
Genome position (GRCh38, 1-based): chrX:38,408,795, G>C. VCF-style: chrX-38408795-G-C. GRCh37 (hg19) VCF-style: chrX-38268048-G-C.
Other names: short protein forms E239D.
Identifiers: ClinVar variation 97302 (VCV000097302.5), dbSNP rs66851495, ClinGen allele CA224759.